The following is an entry in ClinVar:

ClinVar aggregate classification (germline): Uncertain significance (1 of 4 stars; one submission).

Conditions:
Hereditary cancer-predisposing syndrome. Also called: Neoplastic Syndromes, Hereditary; Tumor predisposition; Hereditary Cancer Syndrome; Hereditary neoplastic syndrome. Identifiers: Orphanet 140162, MedGen C0027672, MeSH D009386, MONDO:0015356.

Submission:

Ambry Genetics
Classification: Uncertain significance for Hereditary cancer-predisposing syndrome. Last evaluated: 2026-04-16. Review status: criteria provided, single submitter. Criteria: Ambry Variant Classification Scheme 2023. Collection method: clinical testing. Allele origin: germline.
Comment: The p.E392A variant (also known as c.1175A>C), located in coding exon 4 of the AXIN2 gene, results from an A to C substitution at nucleotide position 1175. The glutamic acid at codon 392 is replaced by alanine, an amino acid with dissimilar properties. This amino acid position is highly conserved in available vertebrate species. In addition, the in silico prediction for this alteration is inconclusive. Based on the available evidence, the clinical significance of this variant remains unclear.

NM_004655.4(AXIN2):c.1175A>C (p.Glu392Ala)

Gene: AXIN2 (axin 2; minus strand). Cytogenetic location: 17q24.1.
Variant type: single nucleotide variant.
Coding change: c.1175A>C on transcript NM_004655.4 (MANE Select); coding-DNA position 1175, A replaced by C.
Protein change: p.Glu392Ala; replaces glutamic acid 392 with alanine.
Molecular consequence: missense variant.
Genome position (GRCh38, 1-based): chr17:65,538,228, T>G on the plus strand (A>C on the coding strand, the complement: AXIN2 is on the minus strand). VCF-style: chr17-65538228-T-G. GRCh37 (hg19) VCF-style: chr17-63534346-T-G.
Other names: c.1175A>C, p.Glu392Ala (NM_001363813.1); short protein forms E392A.
Identifiers: ClinVar variation 4867285 (VCV004867285.1).